The following is an entry in ClinVar:

NM_000781.3(CYP11A1):c.567G>A (p.Ala189=)

Gene: CYP11A1 (cytochrome P450 family 11 subfamily A member 1; minus strand). Cytogenetic location: 15q24.1.
Variant type: single nucleotide variant.
Coding change: c.567G>A on transcript NM_000781.3 (MANE Select); coding-DNA position 567, G replaced by A.
Protein change: p.Ala189=; no amino-acid change (alanine 189 retained).
Molecular consequence: synonymous variant.
Genome position (GRCh38, 1-based): chr15:74,345,102, C>T on the plus strand (G>A on the coding strand, the complement: CYP11A1 is on the minus strand). VCF-style: chr15-74345102-C-T. GRCh37 (hg19) VCF-style: chr15-74637443-C-T.
Other names: c.93G>A, p.Ala31= (NM_001099773.2).
Identifiers: ClinVar variation 317129 (VCV000317129.10), dbSNP rs770022852, ClinGen allele CA10647404.
Genomic context (GRCh38, chr15:74,345,102, plus strand): 5'-ACACTCAAAGGCAAAGCGGAACAGGTCATCACTGATGTCCCCCGAGTAATTTCCGGAGCC[C>T]GCCTTCTTGATGCGCCTGTGCAGGACACTGACGAAGTCCCGAGACACTGCATCCAACAGG-3'
Protein context (NP_000772.2, residues 179-199): VSVLHRRIKK[Ala189=]GSGNYSGDIS

ClinVar aggregate classification (germline): Likely benign. Review status: criteria provided, multiple submitters, no conflicts (2 of 4 stars). 3 submissions from 3 submitters: Likely benign (3). Last evaluated 2025-12-16.

Conditions:
CYP11A1-related disorder. Also called: CYP11A1-related condition.

Allele frequency attached by ClinVar (database versions not stated): gnomAD 0.00001; gnomAD exomes 0.00001; TOPMed 0.00001.

Submissions (3):

Labcorp Genetics (formerly Invitae), Labcorp
Classification: Likely benign. Last evaluated: 2025-12-16. Review status: criteria provided, single submitter. Criteria: Invitae Variant Classification Sherloc (09022015). Collection method: clinical testing. Allele origin: germline.

PreventionGenetics, part of Exact Sciences
Classification: Likely benign for CYP11A1-related condition. Last evaluated: 2025-09-15. Review status: criteria provided, single submitter. Criteria: ACMG Guidelines, 2015. Collection method: clinical testing. Allele origin: germline.
Comment: This variant is classified as likely benign based on ACMG/AMP sequence variant interpretation guidelines (Richards et al. 2015 PMID: 25741868, with internal and published modifications).

Blueprint Genetics
Classification: Likely benign. Last evaluated: 2024-08-30. Review status: criteria provided, single submitter. Criteria: ACMG Guidelines, 2015. Collection method: clinical testing. Allele origin: germline.